The following is an entry in ClinVar:

NM_015910.7(WDPCP):c.342T>G (p.Ser114Arg)

Gene: WDPCP (WD repeat containing planar cell polarity effector; minus strand). Cytogenetic location: 2p15.
Variant type: single nucleotide variant.
Coding change: c.342T>G on transcript NM_015910.7 (MANE Select); coding-DNA position 342, T replaced by G.
Protein change: p.Ser114Arg; replaces serine 114 with arginine.
Molecular consequence: missense variant. On other transcripts: non-coding transcript variant (2).
Genome position (GRCh38, 1-based): chr2:63,484,646, A>C on the plus strand (T>G on the coding strand, the complement: WDPCP is on the minus strand). VCF-style: chr2-63484646-A-C. GRCh37 (hg19) VCF-style: chr2-63711780-A-C.
Other names: c.270T>G, p.Ser90Arg (NM_001354044.2); c.342T>G, p.Ser114Arg (NM_001354045.2); short protein forms S114R, S90R.
Identifiers: ClinVar variation 2482442 (VCV002482442.4), dbSNP rs1338335449, ClinGen allele CA347065851.

ClinVar aggregate classification (germline): Uncertain significance. Review status: criteria provided, multiple submitters, no conflicts (2 of 4 stars). 2 submissions from 2 submitters: Uncertain significance (2). Last evaluated 2025-08-06.

Conditions:
Inborn genetic diseases. Identifiers: MedGen C0950123, MeSH D030342.
WDPCP-related disorder. Also called: WDPCP-related condition.

Allele frequency attached by ClinVar (database versions not stated): gnomAD exomes below 0.00001; gnomAD 0.00001; TOPMed 0.00001.
gnomAD v4.1: 4 of 1,612,770 alleles (0.00025%); highest among the groups gnomAD compares: Non-Finnish European, 0.00034%; no homozygotes.

Submissions (2):

PreventionGenetics, part of Exact Sciences
Classification: Uncertain significance for WDPCP-related condition. Last evaluated: 2025-08-06. Review status: criteria provided, single submitter. Criteria: ACMG Guidelines, 2015. Collection method: clinical testing. Allele origin: germline.
Comment: The WDPCP c.342T>G variant is predicted to result in the amino acid substitution p.Ser114Arg. To our knowledge, this variant has not been reported in the literature or in a large population database, indicating this variant is rare. At this time, the clinical significance of this variant is uncertain due to the absence of conclusive functional and genetic evidence.

Ambry Genetics
Classification: Uncertain significance for Inborn genetic diseases. Last evaluated: 2025-08-02. Review status: criteria provided, single submitter. Criteria: Ambry Variant Classification Scheme 2023. Collection method: clinical testing. Allele origin: germline.